The following is an entry in ClinVar:

NM_001348716.2(KDM6B):c.2191T>G (p.Ser731Ala)

Gene: KDM6B (lysine demethylase 6B; plus strand). Cytogenetic location: 17p13.1.
Variant type: single nucleotide variant.
Coding change: c.2191T>G on transcript NM_001348716.2 (MANE Select); coding-DNA position 2191, T replaced by G.
Protein change: p.Ser731Ala; replaces serine 731 with alanine.
Molecular consequence: missense variant.
Genome position (GRCh38, 1-based): chr17:7,848,479, T>G. VCF-style: chr17-7848479-T-G. GRCh37 (hg19) VCF-style: chr17-7751797-T-G.
Other names: c.2191T>G, p.Ser731Ala (NM_001080424.2); short protein forms S731A.
Identifiers: ClinVar variation 252522 (VCV000252522.4), dbSNP rs879255353, ClinGen allele CA10586033.
Genomic context (GRCh38, chr17:7,848,479, plus strand): 5'-GAACAGCAACAACACGAAGCAGGCGTGGCCCCCCAACCCCCGCTGAAGGAGCCCTTTGCA[T>G]CTCTGCAGTCTCCTTTCCCCACCGACACAGCCCCCACCACTACTGCTCCTGCTGTCGCCG-3'
Protein context (NP_001335645.1, residues 721-741): PQPPLKEPFA[Ser731Ala]LQSPFPTDTA

ClinVar aggregate classification (germline): Uncertain significance. Review status: criteria provided, multiple submitters, no conflicts (2 of 4 stars). 3 submissions from 3 submitters: Uncertain significance (3). Last evaluated 2025-10-03.

Conditions:
Inborn genetic diseases. Identifiers: MedGen C0950123, MeSH D030342.

Allele frequency attached by ClinVar (database versions not stated): TOPMed 0.00002; gnomAD 0.00003.
gnomAD v4.1: 21 of 1,607,026 alleles (0.0013%); highest among the groups gnomAD compares: Non-Finnish European, 0.0018%; no homozygotes.

Submissions (3):

Labcorp Genetics (formerly Invitae), Labcorp
Classification: Uncertain significance. Last evaluated: 2025-10-03. Review status: criteria provided, single submitter. Criteria: Invitae Variant Classification Sherloc (09022015). Collection method: clinical testing. Allele origin: germline.
Comment: This sequence change replaces serine, which is neutral and polar, with alanine, which is neutral and non-polar, at codon 731 of the KDM6B protein (p.Ser731Ala). This variant is not present in population databases (gnomAD no frequency). This variant has not been reported in the literature in individuals affected with KDM6B-related conditions. ClinVar contains an entry for this variant (Variation ID: 252522). Experimental studies and prediction algorithms are not available or were not evaluated, and the functional significance of this variant is currently unknown. In summary, the available evidence is currently insufficient to determine the role of this variant in disease. Therefore, it has been classified as a Variant of Uncertain Significance.

Ambry Genetics
Classification: Uncertain significance for Inborn genetic diseases. Last evaluated: 2023-12-20. Review status: criteria provided, single submitter. Criteria: Ambry Variant Classification Scheme 2023. Collection method: clinical testing. Allele origin: germline.

Genomic Diagnostic Laboratory, Division of Genomic Diagnostics, Children's Hospital of Philadelphia
Classification: Uncertain significance. Last evaluated: 2015-11-06. Review status: criteria provided, single submitter. Criteria: DGD Variant Analysis Guidelines. Collection method: clinical testing. Allele origin: unknown.